The following is an entry in ClinVar:

ClinVar aggregate classification (germline): Uncertain significance (1 of 4 stars; one submission).

Allele frequency attached by ClinVar (database versions not stated): gnomAD exomes 0.00016; TOPMed 0.00027; ESP Exome Variant Server 0.00038.

Submission:

Labcorp Genetics (formerly Invitae), Labcorp
Classification: Uncertain significance. Last evaluated: 2023-10-24. Review status: criteria provided, single submitter. Criteria: Invitae Variant Classification Sherloc (09022015). Collection method: clinical testing. Allele origin: germline.
Comment: This sequence change replaces arginine, which is basic and polar, with histidine, which is basic and polar, at codon 168 of the RASGRP2 protein (p.Arg168His). This variant is present in population databases (rs146725264, gnomAD 0.1%). This variant has not been reported in the literature in individuals affected with RASGRP2-related conditions. Advanced modeling of protein sequence and biophysical properties (such as structural, functional, and spatial information, amino acid conservation, physicochemical variation, residue mobility, and thermodynamic stability) performed at Invitae indicates that this missense variant is not expected to disrupt RASGRP2 protein function with a negative predictive value of 80%. In summary, the available evidence is currently insufficient to determine the role of this variant in disease. Therefore, it has been classified as a Variant of Uncertain Significance.

NM_001098671.2(RASGRP2):c.503G>A (p.Arg168His)

Gene: RASGRP2 (RAS guanyl releasing protein 2; minus strand). Cytogenetic location: 11q13.1.
Variant type: single nucleotide variant.
Coding change: c.503G>A on transcript NM_001098671.2 (MANE Select); coding-DNA position 503, G replaced by A.
Protein change: p.Arg168His; replaces arginine 168 with histidine.
Molecular consequence: missense variant.
Genome position (GRCh38, 1-based): chr11:64,740,032, C>T on the plus strand (G>A on the coding strand, the complement: RASGRP2 is on the minus strand). VCF-style: chr11-64740032-C-T. GRCh37 (hg19) VCF-style: chr11-64507504-C-T.
Other names: c.503G>A, p.Arg168His (NM_001098670.2, NM_153819.2); c.68G>A, p.Arg23His (NM_001318398.2); short protein forms R23H, R168H.
Identifiers: ClinVar variation 2895180 (VCV002895180.1), dbSNP rs146725264, ClinGen allele CA6079214.
Genomic context (GRCh38, chr11:64,740,032, plus strand): 5'-GCCCACATTGGACCCCTGACCCCCCAGCCCTCGGGCCGCACCAGGATCTTGCAGAAGGAG[C>T]GATACTCCAAGTAGGTGAGATGCTCCGCCAGCTCCATGGGCTCCAGGTGGTCAAACAACA-3'
Protein context (NP_001092141.1, residues 158-178): LAEHLTYLEY[Arg168His]SFCKILFQDY